The following is an entry in ClinVar:

NM_003816.3(ADAM9):c.984C>T (p.Gly328=)

Gene: ADAM9 (ADAM metallopeptidase domain 9; plus strand). Cytogenetic location: 8p11.22.
Variant type: single nucleotide variant.
Coding change: c.984C>T on transcript NM_003816.3 (MANE Select); coding-DNA position 984, C replaced by T.
Protein change: p.Gly328=; no amino-acid change (glycine 328 retained).
Molecular consequence: synonymous variant. On other transcripts: non-coding transcript variant (3).
Genome position (GRCh38, 1-based): chr8:39,025,872, C>T. VCF-style: chr8-39025872-C-T. GRCh37 (hg19) VCF-style: chr8-38883391-C-T.
Identifiers: ClinVar variation 1036377 (VCV001036377.5), dbSNP rs776927410, ClinGen allele CA4721492.
Genomic context (GRCh38, chr8:39,025,872, plus strand): 5'-TTTTGGTGGAACTGCAGGAATGGCATTTGTGGGAACAGTGTGTTCAAGGAGCCACGCAGG[C>T]GGGATTAATGTGGTACGTTGTTCTTGATGTTTAACTTTGGATGTTTGCACTGGGACAATA-3'
Protein context (NP_003807.1, residues 318-338): VGTVCSRSHA[Gly328=]GINVFGQITV

ClinVar aggregate classification (germline): Conflicting classifications of pathogenicity. Review status: criteria provided, conflicting classifications (1 of 4 stars). 2 submissions from 2 submitters: Uncertain significance (1); Likely benign (1). Last evaluated 2024-08-19.

Allele frequency attached by ClinVar (database versions not stated): gnomAD 0.00003 and 0.00004; TOPMed 0.00003; ExAC 0.00006.
gnomAD v4.1: 68 of 1,613,832 alleles (0.0042%); highest among the groups gnomAD compares: African/African-American, 0.008%; no homozygotes.

Submissions (2):

Blueprint Genetics
Classification: Likely benign. Last evaluated: 2024-08-19. Review status: criteria provided, single submitter. Criteria: ACMG Guidelines, 2015. Collection method: clinical testing. Allele origin: germline.

Labcorp Genetics (formerly Invitae), Labcorp
Classification: Uncertain significance. Last evaluated: 2022-07-12. Review status: criteria provided, single submitter. Criteria: Invitae Variant Classification Sherloc (09022015). Collection method: clinical testing. Allele origin: germline.
Comment: In summary, the available evidence is currently insufficient to determine the role of this variant in disease. Therefore, it has been classified as a Variant of Uncertain Significance. Algorithms developed to predict the effect of sequence changes on RNA splicing suggest that this variant may create or strengthen a splice site. ClinVar contains an entry for this variant (Variation ID: 1036377). This variant has not been reported in the literature in individuals affected with ADAM9-related conditions. This variant is present in population databases (rs776927410, gnomAD 0.01%). This sequence change affects codon 328 of the ADAM9 mRNA. It is a 'silent' change, meaning that it does not change the encoded amino acid sequence of the ADAM9 protein.